The following is an entry in ClinVar:

NM_001621.5(AHR):c.421A>T (p.Thr141Ser)

Gene: AHR (aryl hydrocarbon receptor; plus strand). Cytogenetic location: 7p21.1.
Variant type: single nucleotide variant.
Coding change: c.421A>T on transcript NM_001621.5 (MANE Select); coding-DNA position 421, A replaced by T.
Protein change: p.Thr141Ser; replaces threonine 141 with serine.
Molecular consequence: missense variant.
Genome position (GRCh38, 1-based): chr7:17,327,819, A>T. VCF-style: chr7-17327819-A-T. GRCh37 (hg19) VCF-style: chr7-17367443-A-T.
Other names: c.421A>T (NM_001621.4); short protein forms T141S.
Identifiers: ClinVar variation 1408970 (VCV001408970.6), dbSNP rs143848352, ClinGen allele CA4171823.

ClinVar aggregate classification (germline): Uncertain significance. Review status: criteria provided, multiple submitters, no conflicts (2 of 4 stars). 2 submissions from 2 submitters: Uncertain significance (2). Last evaluated 2025-10-07.

Allele frequency attached by ClinVar (database versions not stated): gnomAD exomes 0.00007 and 0.00006; ExAC 0.00007; gnomAD 0.00009 and 0.00007; TOPMed 0.00010; ESP Exome Variant Server 0.00015.
gnomAD v4.1: 119 of 1,566,454 alleles (0.0076%); highest among the groups gnomAD compares: Middle Eastern, 0.017%; no homozygotes.

Submissions (3):

Ambry Genetics
Classification: Uncertain significance. Last evaluated: 2025-10-07. Review status: criteria provided, single submitter. Criteria: Ambry Variant Classification Scheme 2023. Collection method: clinical testing. Allele origin: germline.

Labcorp Genetics (formerly Invitae), Labcorp
Classification: Uncertain significance. Last evaluated: 2022-08-08. Review status: criteria provided, single submitter. Criteria: Invitae Variant Classification Sherloc (09022015). Collection method: clinical testing. Allele origin: germline.
Comment: This sequence change replaces threonine, which is neutral and polar, with serine, which is neutral and polar, at codon 141 of the AHR protein (p.Thr141Ser). This variant is present in population databases (rs143848352, gnomAD 0.01%). This variant has not been reported in the literature in individuals affected with AHR-related conditions. ClinVar contains an entry for this variant (Variation ID: 1408970). Algorithms developed to predict the effect of missense changes on protein structure and function are either unavailable or do not agree on the potential impact of this missense change (SIFT: "Tolerated"; PolyPhen-2: "Possibly Damaging"; Align-GVGD: "Class C0"). In summary, the available evidence is currently insufficient to determine the role of this variant in disease. Therefore, it has been classified as a Variant of Uncertain Significance.

Dr. Peter K. Rogan Lab, Western University
No classification provided (evidence only). Condition: Uterine corpus endometrial carcinoma. Review status: no classification provided. Collection method: in vitro. Allele origin: not applicable. Functional consequence: retained intron. Not counted in ClinVar's aggregate classification.